The following is an entry in ClinVar:

NM_003803.4(MYOM1):c.4913C>T (p.Thr1638Ile)

Gene: MYOM1 (myomesin 1; minus strand). Cytogenetic location: 18p11.31.
Variant type: single nucleotide variant.
Coding change: c.4913C>T on transcript NM_003803.4 (MANE Select); coding-DNA position 4913, C replaced by T.
Protein change: p.Thr1638Ile; replaces threonine 1638 with isoleucine.
Molecular consequence: missense variant.
Genome position (GRCh38, 1-based): chr18:3,067,407, G>A on the plus strand (C>T on the coding strand, the complement: MYOM1 is on the minus strand). VCF-style: chr18-3067407-G-A. GRCh37 (hg19) VCF-style: chr18-3067405-G-A.
Other names: c.4625C>T, p.Thr1542Ile (NM_019856.2); short protein forms T1542I, T1638I.
Identifiers: ClinVar variation 3877128 (VCV003877128.1).

ClinVar aggregate classification (germline): Uncertain significance (1 of 4 stars; one submission).

Submission:

Ambry Genetics
Classification: Uncertain significance. Last evaluated: 2025-02-22. Review status: criteria provided, single submitter. Criteria: Ambry Variant Classification Scheme 2023. Collection method: clinical testing. Allele origin: germline.
Comment: The p.T1638I variant (also known as c.4913C>T), located in coding exon 37 of the MYOM1 gene, results from a C to T substitution at nucleotide position 4913. The threonine at codon 1638 is replaced by isoleucine, an amino acid with similar properties. This amino acid position is conserved. In addition, this alteration is predicted to be tolerated by in silico analysis. Based on the available evidence, the clinical significance of this variant remains unclear.